The following continues an entry in ClinVar:

NM_000183.3(HADHB):c.1149+4A>T

Gene: HADHB. ClinVar aggregate classification (germline): Benign/Likely benign. Benign (6); Likely benign (1).

Submissions 102 to 125 of 125:

Dr. Peter K. Rogan Lab, Western University
No classification provided (evidence only). Condition: Familial pancreatic carcinoma. Review status: no classification provided. Collection method: in vitro. Allele origin: not applicable. Functional consequence: skipped exon, retained intron. Not counted in ClinVar's aggregate classification.

Dr. Peter K. Rogan Lab, Western University
No classification provided (evidence only). Condition: Familial pancreatic carcinoma. Review status: no classification provided. Collection method: in vitro. Allele origin: not applicable. Functional consequence: skipped exon, retained intron. Not counted in ClinVar's aggregate classification.

Dr. Peter K. Rogan Lab, Western University
No classification provided (evidence only). Condition: Familial pancreatic carcinoma. Review status: no classification provided. Collection method: in vitro. Allele origin: not applicable. Functional consequence: skipped exon. Not counted in ClinVar's aggregate classification.

Dr. Peter K. Rogan Lab, Western University
No classification provided (evidence only). Condition: Familial pancreatic carcinoma. Review status: no classification provided. Collection method: in vitro. Allele origin: not applicable. Functional consequence: skipped exon. Not counted in ClinVar's aggregate classification.

Dr. Peter K. Rogan Lab, Western University
No classification provided (evidence only). Condition: Familial pancreatic carcinoma. Review status: no classification provided. Collection method: in vitro. Allele origin: not applicable. Functional consequence: retained intron. Not counted in ClinVar's aggregate classification.

Dr. Peter K. Rogan Lab, Western University
No classification provided (evidence only). Condition: Lymphoma. Review status: no classification provided. Collection method: in vitro. Allele origin: not applicable. Functional consequence: skipped exon. Not counted in ClinVar's aggregate classification.

Dr. Peter K. Rogan Lab, Western University
No classification provided (evidence only). Condition: Lymphoma. Review status: no classification provided. Collection method: in vitro. Allele origin: not applicable. Functional consequence: skipped exon. Not counted in ClinVar's aggregate classification.

Dr. Peter K. Rogan Lab, Western University
No classification provided (evidence only). Condition: Lymphoma. Review status: no classification provided. Collection method: in vitro. Allele origin: not applicable. Functional consequence: skipped exon. Not counted in ClinVar's aggregate classification.

Dr. Peter K. Rogan Lab, Western University
No classification provided (evidence only). Condition: Lymphoma. Review status: no classification provided. Collection method: in vitro. Allele origin: not applicable. Functional consequence: skipped exon. Not counted in ClinVar's aggregate classification.

Dr. Peter K. Rogan Lab, Western University
No classification provided (evidence only). Condition: Lymphoma. Review status: no classification provided. Collection method: in vitro. Allele origin: not applicable. Functional consequence: skipped exon. Not counted in ClinVar's aggregate classification.

Dr. Peter K. Rogan Lab, Western University
No classification provided (evidence only). Condition: Lymphoma. Review status: no classification provided. Collection method: in vitro. Allele origin: not applicable. Functional consequence: skipped exon. Not counted in ClinVar's aggregate classification.

Dr. Peter K. Rogan Lab, Western University
No classification provided (evidence only). Condition: Ovarian cancer. Review status: no classification provided. Collection method: in vitro. Allele origin: not applicable. Functional consequence: skipped exon. Not counted in ClinVar's aggregate classification.

Dr. Peter K. Rogan Lab, Western University
No classification provided (evidence only). Condition: Ovarian cancer. Review status: no classification provided. Collection method: in vitro. Allele origin: not applicable. Functional consequence: skipped exon. Not counted in ClinVar's aggregate classification.

Dr. Peter K. Rogan Lab, Western University
No classification provided (evidence only). Condition: Ovarian cancer. Review status: no classification provided. Collection method: in vitro. Allele origin: not applicable. Functional consequence: skipped exon. Not counted in ClinVar's aggregate classification.

Dr. Peter K. Rogan Lab, Western University
No classification provided (evidence only). Condition: Ovarian cancer. Review status: no classification provided. Collection method: in vitro. Allele origin: not applicable. Functional consequence: skipped exon. Not counted in ClinVar's aggregate classification.

Dr. Peter K. Rogan Lab, Western University
No classification provided (evidence only). Condition: Ovarian cancer. Review status: no classification provided. Collection method: in vitro. Allele origin: not applicable. Functional consequence: skipped exon. Not counted in ClinVar's aggregate classification.

Dr. Peter K. Rogan Lab, Western University
No classification provided (evidence only). Condition: Ovarian cancer. Review status: no classification provided. Collection method: in vitro. Allele origin: not applicable. Functional consequence: skipped exon. Not counted in ClinVar's aggregate classification.

Dr. Peter K. Rogan Lab, Western University
No classification provided (evidence only). Condition: Ovarian cancer. Review status: no classification provided. Collection method: in vitro. Allele origin: not applicable. Functional consequence: skipped exon. Not counted in ClinVar's aggregate classification.

Dr. Peter K. Rogan Lab, Western University
No classification provided (evidence only). Condition: Ovarian cancer. Review status: no classification provided. Collection method: in vitro. Allele origin: not applicable. Functional consequence: skipped exon, retained intron. Not counted in ClinVar's aggregate classification.

Dr. Peter K. Rogan Lab, Western University
No classification provided (evidence only). Condition: Ovarian cancer. Review status: no classification provided. Collection method: in vitro. Allele origin: not applicable. Functional consequence: skipped exon. Not counted in ClinVar's aggregate classification.

Dr. Peter K. Rogan Lab, Western University
No classification provided (evidence only). Condition: Ovarian cancer. Review status: no classification provided. Collection method: in vitro. Allele origin: not applicable. Functional consequence: skipped exon. Not counted in ClinVar's aggregate classification.

Dr. Peter K. Rogan Lab, Western University
No classification provided (evidence only). Condition: Ovarian cancer. Review status: no classification provided. Collection method: in vitro. Allele origin: not applicable. Functional consequence: skipped exon. Not counted in ClinVar's aggregate classification.

Dr. Peter K. Rogan Lab, Western University
No classification provided (evidence only). Condition: Ovarian cancer. Review status: no classification provided. Collection method: in vitro. Allele origin: not applicable. Functional consequence: skipped exon. Not counted in ClinVar's aggregate classification.

Dr. Peter K. Rogan Lab, Western University
No classification provided (evidence only). Condition: Ovarian cancer. Review status: no classification provided. Collection method: in vitro. Allele origin: not applicable. Functional consequence: skipped exon. Not counted in ClinVar's aggregate classification.